The following is an entry in ClinVar:

ClinVar aggregate classification (germline): Uncertain significance. Review status: criteria provided, multiple submitters, no conflicts (2 of 4 stars). 3 submissions from 3 submitters: Uncertain significance (2). 1 of the submissions does not count toward it. Last evaluated 2025-12-15.

Conditions:
ARID1B-Related Disorder. Identifiers: MedGen CN381337.

Submissions (3):

Labcorp Genetics (formerly Invitae), Labcorp
Classification: Uncertain significance. Last evaluated: 2025-12-15. Review status: criteria provided, single submitter. Criteria: Invitae Variant Classification Sherloc (09022015). Collection method: clinical testing. Allele origin: germline.
Comment: This variant, c.986_994del, results in the deletion of 3 amino acid(s) of the ARID1B protein (p.Ala329_Ala331del), but otherwise preserves the integrity of the reading frame. The frequency data for this variant in the population databases is considered unreliable, as metrics indicate insufficient coverage at this position in the gnomAD database. This variant has not been reported in the literature in individuals affected with ARID1B-related conditions. ClinVar contains an entry for this variant (Variation ID: 591728). Experimental studies and prediction algorithms are not available or were not evaluated, and the functional significance of this variant is currently unknown. In summary, the available evidence is currently insufficient to determine the role of this variant in disease. Therefore, it has been classified as a Variant of Uncertain Significance.

PreventionGenetics, part of Exact Sciences
Classification: Uncertain significance for ARID1B-related condition. Last evaluated: 2022-08-22. Review status: criteria provided, single submitter. Criteria: ACMG Guidelines, 2015. Collection method: clinical testing. Allele origin: germline.
Comment: The ARID1B c.986_994del9 variant is predicted to result in an in-frame deletion (p.Ala329_Ala331del). To our knowledge, this variant has not been reported in the literature or in a large population database, indicating this variant is rare. At this time, the clinical significance of this variant is uncertain due to the absence of conclusive functional and genetic evidence.

Gharavi Laboratory, Columbia University
Classification: Uncertain significance. Last evaluated: 2018-09-16. Review status: no assertion criteria provided. Criteria: ACMG Guidelines, 2015. Collection method: research. Allele origin: germline. Affected: yes. Not counted in ClinVar's aggregate classification.

NM_001374828.1(ARID1B):c.1235_1243del (p.Ala412_Ala414del)

Gene: ARID1B (AT-rich interaction domain 1B; plus strand). Cytogenetic location: 6q25.3.
Variant type: Deletion.
Coding change: c.1235_1243del on transcript NM_001374828.1 (MANE Select); coding-DNA positions 1235 to 1243, 9 bases deleted (CAGGAGCAG; older notation c.1235_1243delCAGGAGCAG).
Protein change: p.Ala412_Ala414del.
Molecular consequence: inframe deletion.
Genome position (GRCh38, 1-based): chr6:156,778,915-156,778,923, CAGGAGCAG deleted; deleting any 9 consecutive bases within chr6:156,778,913-156,778,923 gives the same sequence; the c. name uses the placement nearest the transcript's 3' end. VCF-style (leftmost placement, unchanged base first): chr6-156778912-GAGCAGGAGC-G. GRCh37 (hg19) VCF-style: chr6-157100046-GAGCAGGAGC-G.
Other names: c.986_994del9 (NM_020732.3); c.1235_1243del, p.Ala412_Ala414del (NM_001371656.1, NM_001374820.1, NM_017519.3).
Identifiers: ClinVar variation 591728 (VCV000591728.6), dbSNP rs1562377638, ClinGen allele CA891862841.